The following is an entry in ClinVar:

ClinVar aggregate classification (germline): Uncertain significance (1 of 4 stars; one submission).

Conditions:
Meckel-Gruber syndrome. Also called: Dysencephalia splachnocystica; DYSENCEPHALIA SPLANCHNOCYSTICA; GRUBER SYNDROME. Identifiers: Orphanet 564, MedGen C0265215, MONDO:0018921.
Nephronophthisis. Also called: Juvenile Nephronophthisis. Identifiers: Orphanet 655, MedGen C0687120, MONDO:0019005, HP:0000090.
Joubert syndrome. Also called: Familial aplasia of the vermis; CEREBELLOPARENCHYMAL DISORDER IV; JOUBERT-BOLTSHAUSER SYNDROME. Identifiers: Orphanet 475, MedGen C5979921, MONDO:0018772.

Submission:

Labcorp Genetics (formerly Invitae), Labcorp
Classification: Uncertain significance for Joubert syndrome; Meckel-Gruber syndrome; Nephronophthisis. Last evaluated: 2021-08-27. Review status: criteria provided, single submitter. Criteria: Invitae Variant Classification Sherloc (09022015). Collection method: clinical testing. Allele origin: germline.
Comment: This sequence change replaces glutamine with glutamic acid at codon 370 of the CEP290 protein (p.Gln370Glu). The glutamine residue is moderately conserved and there is a small physicochemical difference between glutamine and glutamic acid. This variant is not present in population databases (ExAC no frequency). This variant has not been reported in the literature in individuals affected with CEP290-related conditions. Algorithms developed to predict the effect of missense changes on protein structure and function are either unavailable or do not agree on the potential impact of this missense change (SIFT: "Deleterious"; PolyPhen-2: "Possibly Damaging"; Align-GVGD: "Class C0"). In summary, the available evidence is currently insufficient to determine the role of this variant in disease. Therefore, it has been classified as a Variant of Uncertain Significance.

NM_025114.4(CEP290):c.1108C>G (p.Gln370Glu)

Gene: CEP290 (centrosomal protein 290; minus strand). Cytogenetic location: 12q21.32.
Variant type: single nucleotide variant.
Coding change: c.1108C>G on transcript NM_025114.4 (MANE Select); coding-DNA position 1108, C replaced by G.
Protein change: p.Gln370Glu; replaces glutamine 370 with glutamic acid.
Molecular consequence: missense variant.
Genome position (GRCh38, 1-based): chr12:88,125,327, G>C on the plus strand (C>G on the coding strand, the complement: CEP290 is on the minus strand). VCF-style: chr12-88125327-G-C. GRCh37 (hg19) VCF-style: chr12-88519104-G-C.
Other names: short protein forms Q370E.
Identifiers: ClinVar variation 947780 (VCV000947780.7), dbSNP rs2039663676, ClinGen allele CA385981404.
Genomic context (GRCh38, chr12:88,125,327, plus strand): 5'-TTTTCAAATCTTCAATAATACAAGTATTCTTTTCCATTTCTTTTGTATATTGTTCTACTT[G>C]TTCGGTGAGCATCTTAATTTGACTGTCTCGTTCCTGTATACCCTATAAAATATTTTAAAA-3'
Protein context (NP_079390.3, residues 360-380): RDSQIKMLTE[Gln370Glu]VEQYTKEMEK